The following is an entry in ClinVar:

NM_006231.4(POLE):c.5918A>T (p.Glu1973Val)

Gene: POLE (DNA polymerase epsilon, catalytic subunit; minus strand). Cytogenetic location: 12q24.33.
Variant type: single nucleotide variant.
Coding change: c.5918A>T on transcript NM_006231.4 (MANE Select); coding-DNA position 5918, A replaced by T.
Protein change: p.Glu1973Val; replaces glutamic acid 1973 with valine.
Molecular consequence: missense variant.
Genome position (GRCh38, 1-based): chr12:132,634,272, T>A on the plus strand (A>T on the coding strand, the complement: POLE is on the minus strand). VCF-style: chr12-132634272-T-A. GRCh37 (hg19) VCF-style: chr12-133210858-T-A.
Other names: short protein forms E1973V.
Identifiers: ClinVar variation 1750473 (VCV001750473.2), dbSNP rs2541859871, ClinGen allele CA387371597.
Genomic context (GRCh38, chr12:132,634,272, plus strand): 5'-TGGCAGGAGGCTGCCTGTGGCAAAAACTGCAAAATGTTCCAGTTGTTTTCCAGTAAATCC[T>A]CCACGTTGGATTCCTCCGCCTCTTCCTCCTCCTCCCCATCTCTTTCCTCCTCATCGTCCT-3'
Protein context (NP_006222.2, residues 1963-1983): EEEEAEESNV[Glu1973Val]DLLENNWNIL

ClinVar aggregate classification (germline): Uncertain significance (1 of 4 stars; one submission).

Conditions:
Hereditary cancer-predisposing syndrome. Also called: Hereditary Cancer Syndrome; Hereditary neoplastic syndrome; Neoplastic Syndromes, Hereditary; Tumor predisposition. Identifiers: Orphanet 140162, MedGen C0027672, MeSH D009386, MONDO:0015356.

Submission:

Ambry Genetics
Classification: Uncertain significance for Hereditary cancer-predisposing syndrome. Last evaluated: 2021-12-11. Review status: criteria provided, single submitter. Criteria: Ambry Variant Classification Scheme 2023. Collection method: clinical testing. Allele origin: germline.
Comment: The p.E1973V variant (also known as c.5918A>T), located in coding exon 43 of the POLE gene, results from an A to T substitution at nucleotide position 5918. The glutamic acid at codon 1973 is replaced by valine, an amino acid with dissimilar properties. This amino acid position is conserved. In addition, this alteration is predicted to be deleterious by in silico analysis. Since supporting evidence is limited at this time, the clinical significance of this alteration remains unclear.